The following is an entry in ClinVar:

ClinVar aggregate classification (germline): Uncertain significance (1 of 4 stars; one submission).

Conditions:
Ataxia-telangiectasia syndrome (AT). Also called: LOUIS-BAR SYNDROME; Cerebello-oculocutaneous telangiectasia; Immunodeficiency with ataxia telangiectasia; Ataxia-telangiectasia, complementation group D; AT, COMPLEMENTATION GROUP C; ATAXIA-TELANGIECTASIA, COMPLEMENTATION GROUP A. Identifiers: Orphanet 100, MedGen C0004135, MONDO:0008840, OMIM 208900.

Submission:

Labcorp Genetics (formerly Invitae), Labcorp
Classification: Uncertain significance for Ataxia-telangiectasia syndrome. Last evaluated: 2025-07-21. Review status: criteria provided, single submitter. Criteria: Invitae Variant Classification Sherloc (09022015). Collection method: clinical testing. Allele origin: germline.
Comment: This sequence change replaces glutamic acid, which is acidic and polar, with lysine, which is basic and polar, at codon 2943 of the ATM protein (p.Glu2943Lys). This variant is not present in population databases (gnomAD no frequency). This variant has not been reported in the literature in individuals affected with ATM-related conditions. Invitae Evidence Modeling of protein sequence and biophysical properties (such as structural, functional, and spatial information, amino acid conservation, physicochemical variation, residue mobility, and thermodynamic stability) has been performed for this missense variant. However, the output from this modeling did not meet the statistical confidence thresholds required to predict the impact of this variant on ATM protein function. In summary, the available evidence is currently insufficient to determine the role of this variant in disease. Therefore, it has been classified as a Variant of Uncertain Significance.

NM_000051.4(ATM):c.8827G>A (p.Glu2943Lys)

Genes: ATM (ATM serine/threonine kinase; plus strand), C11orf65 (chromosome 11 open reading frame 65; minus strand). Cytogenetic location: 11q22.3.
Variant type: single nucleotide variant.
Coding change: c.8827G>A on transcript NM_000051.4 (MANE Select); coding-DNA position 8827, G replaced by A.
Protein change: p.Glu2943Lys; replaces glutamic acid 2943 with lysine.
Molecular consequence: missense variant. On other transcripts: intron variant (2).
Genome position (GRCh38, 1-based): chr11:108,354,851, G>A. VCF-style: chr11-108354851-G-A. GRCh37 (hg19) VCF-style: chr11-108225578-G-A.
Other names: c.8827G>A, p.Glu2943Lys (NM_001351834.2); c.640+31069C>T (NM_001330368.2); c.695-19559C>T (NM_001351110.2); short protein forms E2943K.
Identifiers: ClinVar variation 4747279 (VCV004747279.1).